The following is an entry in ClinVar:

ClinVar aggregate classification (germline): Uncertain significance. Review status: criteria provided, multiple submitters, no conflicts (2 of 4 stars). 2 submissions from 2 submitters: Uncertain significance (2). Last evaluated 2024-11-15.

Conditions:
Familial thoracic aortic aneurysm and aortic dissection (TAAD). Also called: Thoracic aortic aneurysms and dissections. Identifiers: Orphanet 91387, MedGen C4707243, MONDO:0019625.
Ehlers-Danlos syndrome, classic type, 1 (EDSCL1). Also called: Ehlers-Danlos syndrome, type 1; EHLERS-DANLOS SYNDROME, GRAVIS TYPE; EHLERS-DANLOS SYNDROME, SEVERE CLASSIC TYPE; EDS I; Ehlers-Danlos Syndrome, Classic Type, COL5A1-Related. Identifiers: MedGen C0268335, MONDO:0019567, OMIM 130000.

Allele frequency attached by ClinVar (database versions not stated): gnomAD exomes below 0.00001.
gnomAD v4.1: 4 of 1,613,718 alleles (0.00025%); highest among the groups gnomAD compares: Non-Finnish European, 0.00034%; no homozygotes.

Submissions (2):

Ambry Genetics
Classification: Uncertain significance for Familial thoracic aortic aneurysm and aortic dissection. Last evaluated: 2024-11-15. Review status: criteria provided, single submitter. Criteria: Ambry Variant Classification Scheme 2023. Collection method: clinical testing. Allele origin: germline.
Comment: The p.A1756G variant (also known as c.5267C>G), located in coding exon 65 of the COL5A1 gene, results from a C to G substitution at nucleotide position 5267. The alanine at codon 1756 is replaced by glycine, an amino acid with similar properties. This amino acid position is poorly conserved in available vertebrate species. In addition, this alteration is predicted to be tolerated by in silico analysis. Based on the available evidence, the clinical significance of this variant remains unclear.

Labcorp Genetics (formerly Invitae), Labcorp
Classification: Uncertain significance for Ehlers-Danlos syndrome, classic type, 1. Last evaluated: 2024-02-14. Review status: criteria provided, single submitter. Criteria: Invitae Variant Classification Sherloc (09022015). Collection method: clinical testing. Allele origin: germline.
Comment: This sequence change replaces alanine, which is neutral and non-polar, with glycine, which is neutral and non-polar, at codon 1756 of the COL5A1 protein (p.Ala1756Gly). This variant is not present in population databases (gnomAD no frequency). This variant has not been reported in the literature in individuals affected with COL5A1-related conditions. ClinVar contains an entry for this variant (Variation ID: 955995). Advanced modeling of protein sequence and biophysical properties (such as structural, functional, and spatial information, amino acid conservation, physicochemical variation, residue mobility, and thermodynamic stability) performed at Invitae indicates that this missense variant is not expected to disrupt COL5A1 protein function with a negative predictive value of 95%. In summary, the available evidence is currently insufficient to determine the role of this variant in disease. Therefore, it has been classified as a Variant of Uncertain Significance.

NM_000093.5(COL5A1):c.5267C>G (p.Ala1756Gly)

Genes: COL5A1 (collagen type V alpha 1 chain; plus strand), LOC101448202 (uncharacterized LOC101448202; minus strand). Cytogenetic location: 9q34.3.
Variant type: single nucleotide variant.
Coding change: c.5267C>G on transcript NM_000093.5 (MANE Select); coding-DNA position 5267, C replaced by G.
Protein change: p.Ala1756Gly; replaces alanine 1756 with glycine.
Molecular consequence: missense variant.
Genome position (GRCh38, 1-based): chr9:134,835,101, C>G. VCF-style: chr9-134835101-C-G. GRCh37 (hg19) VCF-style: chr9-137726947-C-G.
Other names: c.5267C>G (NM_000093.3); c.5267C>G, p.Ala1756Gly (NM_001278074.1); short protein forms A1756G.
Identifiers: ClinVar variation 955995 (VCV000955995.11), dbSNP rs1839802608, ClinGen allele CA375460648.